The following is an entry in ClinVar:

NM_001004356.3(FGFRL1):c.1282G>A (p.Gly428Arg)

Gene: FGFRL1 (fibroblast growth factor receptor like 1; plus strand). Cytogenetic location: 4p16.3.
Variant type: single nucleotide variant.
Coding change: c.1282G>A on transcript NM_001004356.3 (MANE Select); coding-DNA position 1282, G replaced by A.
Protein change: p.Gly428Arg; replaces glycine 428 with arginine.
Molecular consequence: missense variant.
Genome position (GRCh38, 1-based): chr4:1,025,114, G>A. VCF-style: chr4-1025114-G-A. GRCh37 (hg19) VCF-style: chr4-1018902-G-A.
Other names: c.1282G>A, p.Gly428Arg (NM_001004358.1, NM_001370296.1, NM_021923.3); short protein forms G428R.
Identifiers: ClinVar variation 2372403 (VCV002372403.4), dbSNP rs200822222, ClinGen allele CA2803067.
Genomic context (GRCh38, chr4:1,025,114, plus strand): 5'-CCCGCGCCTGCCCCTCCCCTGCCTGGGCACCGCCCGCCGGGGACGGCCCGCGACCGCAGC[G>A]GAGACAAGGACCTTCCCTCGTTGGCCGCCCTCAGCGCTGGCCCTGGTGTGGGGCTGTGTG-3'
Protein context (NP_001004356.1, residues 418-438): RPPGTARDRS[Gly428Arg]DKDLPSLAAL

ClinVar aggregate classification (germline): Uncertain significance. Review status: criteria provided, multiple submitters, no conflicts (2 of 4 stars). 2 submissions from 2 submitters: Uncertain significance (2). Last evaluated 2026-01-24.

Allele frequency attached by ClinVar (database versions not stated): ExAC 0.00018; ESP Exome Variant Server 0.00023; gnomAD 0.00023; TOPMed 0.00023; 1000 Genomes Project 0.00060; 1000 Genomes Project 30x 0.00094.
gnomAD v4.1: 94 of 1,611,324 alleles (0.0058%); highest among the groups gnomAD compares: African/African-American, 0.067%; no homozygotes.

Submissions (2):

Labcorp Genetics (formerly Invitae), Labcorp
Classification: Uncertain significance. Last evaluated: 2026-01-24. Review status: criteria provided, single submitter. Criteria: Invitae Variant Classification Sherloc (09022015). Collection method: clinical testing. Allele origin: germline.
Comment: This sequence change replaces glycine, which is neutral and non-polar, with arginine, which is basic and polar, at codon 428 of the FGFRL1 protein (p.Gly428Arg). This variant is present in population databases (rs200822222, gnomAD 0.09%), and has an allele count higher than expected for a pathogenic variant. This variant has not been reported in the literature in individuals affected with FGFRL1-related conditions. ClinVar contains an entry for this variant (Variation ID: 2372403). An algorithm developed to predict the effect of missense changes on protein structure and function (PolyPhen-2) suggests that this variant is likely to be tolerated. In summary, the available evidence is currently insufficient to determine the role of this variant in disease. Therefore, it has been classified as a Variant of Uncertain Significance.

Ambry Genetics
Classification: Uncertain significance. Last evaluated: 2024-09-10. Review status: criteria provided, single submitter. Criteria: Ambry Variant Classification Scheme 2023. Collection method: clinical testing. Allele origin: germline.